The following is an entry in ClinVar:

NM_001378477.3(NYX):c.1288G>C (p.Gly430Arg)

Gene: NYX (nyctalopin; plus strand). Cytogenetic location: Xp11.4.
Variant type: single nucleotide variant.
Coding change: c.1288G>C on transcript NM_001378477.3 (MANE Select); coding-DNA position 1288, G replaced by C.
Protein change: p.Gly430Arg; replaces glycine 430 with arginine.
Molecular consequence: missense variant.
Genome position (GRCh38, 1-based): chrX:41,474,756, G>C. VCF-style: chrX-41474756-G-C. GRCh37 (hg19) VCF-style: chrX-41334009-G-C.
Other names: c.1303G>C (NM_022567.2); c.1288G>C, p.Gly430Arg (NM_022567.3); short protein forms G430R.
Identifiers: ClinVar variation 1477305 (VCV001477305.7), dbSNP rs769321597, ClinGen allele CA10389941.

ClinVar aggregate classification (germline): Uncertain significance. Review status: criteria provided, multiple submitters, no conflicts (2 of 4 stars). 2 submissions from 2 submitters: Uncertain significance (2). Last evaluated 2025-04-26.

Conditions:
Inborn genetic diseases. Identifiers: MedGen C0950123, MeSH D030342.

Allele frequency attached by ClinVar (database versions not stated): gnomAD exomes 0.00001; TOPMed 0.00002; ExAC 0.00003.

Submissions (2):

Labcorp Genetics (formerly Invitae), Labcorp
Classification: Uncertain significance. Last evaluated: 2025-04-26. Review status: criteria provided, single submitter. Criteria: Invitae Variant Classification Sherloc (09022015). Collection method: clinical testing. Allele origin: germline.
Comment: This sequence change replaces glycine, which is neutral and non-polar, with arginine, which is basic and polar, at codon 435 of the NYX protein (p.Gly435Arg). This variant is not present in population databases (gnomAD no frequency). This variant has not been reported in the literature in individuals affected with NYX-related conditions. ClinVar contains an entry for this variant (Variation ID: 1477305). An algorithm developed to predict the effect of missense changes on protein structure and function (PolyPhen-2) suggests that this variant is likely to be tolerated. In summary, the available evidence is currently insufficient to determine the role of this variant in disease. Therefore, it has been classified as a Variant of Uncertain Significance.

Ambry Genetics
Classification: Uncertain significance for Inborn genetic diseases. Last evaluated: 2025-01-27. Review status: criteria provided, single submitter. Criteria: Ambry Variant Classification Scheme 2023. Collection method: clinical testing. Allele origin: germline.